The following is an entry in ClinVar:

NM_004333.6(BRAF):c.28G>A (p.Gly10Ser)

Gene: BRAF (B-Raf proto-oncogene, serine/threonine kinase; minus strand). Cytogenetic location: 7q34.
Variant type: single nucleotide variant.
Coding change: c.28G>A on transcript NM_004333.6 (MANE Select); coding-DNA position 28, G replaced by A.
Protein change: p.Gly10Ser; replaces glycine 10 with serine.
Molecular consequence: missense variant.
Genome position (GRCh38, 1-based): chr7:140,924,676, C>T on the plus strand (G>A on the coding strand, the complement: BRAF is on the minus strand). VCF-style: chr7-140924676-C-T. GRCh37 (hg19) VCF-style: chr7-140624476-C-T.
Other names: c.28G>A, p.Gly10Ser (NM_001354609.2, NM_001374244.1, NM_001374258.1 and 7 more transcripts); short protein forms G10S.
Identifiers: ClinVar variation 934055 (VCV000934055.10), dbSNP rs1356557681, ClinGen allele CA369590242.

ClinVar aggregate classification (germline): Uncertain significance. Review status: criteria provided, multiple submitters, no conflicts (2 of 4 stars). 2 submissions from 2 submitters: Uncertain significance (2). Last evaluated 2025-07-09.

Conditions:
Cardiovascular phenotype. Identifiers: MedGen CN230736.
RASopathy. Also called: rasopathies; Noonan spectrum disorder. Identifiers: Orphanet 536391, MedGen C5555857, MONDO:0021060.

Allele frequency attached by ClinVar (database versions not stated): gnomAD exomes 0.00001 and 0.00007; TOPMed 0.00001.
gnomAD v4.1: 10 of 1,181,848 alleles (0.00085%); highest among the groups gnomAD compares: Admixed American, 0.019%; no homozygotes.

Submissions (2):

Labcorp Genetics (formerly Invitae), Labcorp
Classification: Uncertain significance for RASopathy. Last evaluated: 2025-07-09. Review status: criteria provided, single submitter. Criteria: Invitae Variant Classification Sherloc (09022015). Collection method: clinical testing. Allele origin: germline.
Comment: This sequence change replaces glycine, which is neutral and non-polar, with serine, which is neutral and polar, at codon 10 of the BRAF protein (p.Gly10Ser). This variant is present in population databases (no rsID available, gnomAD 0.03%). This variant has not been reported in the literature in individuals affected with BRAF-related conditions. ClinVar contains an entry for this variant (Variation ID: 934055). Invitae Evidence Modeling of protein sequence and biophysical properties (such as structural, functional, and spatial information, amino acid conservation, physicochemical variation, residue mobility, and thermodynamic stability) indicates that this missense variant is not expected to disrupt BRAF protein function with a negative predictive value of 95%. In summary, the available evidence is currently insufficient to determine the role of this variant in disease. Therefore, it has been classified as a Variant of Uncertain Significance.

Ambry Genetics
Classification: Uncertain significance for Cardiovascular phenotype. Last evaluated: 2024-02-01. Review status: criteria provided, single submitter. Criteria: Ambry Variant Classification Scheme 2023. Collection method: clinical testing. Allele origin: germline.
Comment: The p.G10S variant (also known as c.28G>A), located in coding exon 1 of the BRAF gene, results from a G to A substitution at nucleotide position 28. The glycine at codon 10 is replaced by serine, an amino acid with similar properties. This amino acid position is conserved. In addition, the in silico prediction for this alteration is inconclusive. Based on the available evidence, the clinical significance of this alteration remains unclear.